The following is an entry in ClinVar:

ClinVar aggregate classification (germline): Uncertain significance (1 of 4 stars; one submission).

Submission:

GeneDx
Classification: Uncertain significance. Last evaluated: 2024-05-03. Review status: criteria provided, single submitter. Criteria: GeneDx Variant Classification Process June 2021. Collection method: clinical testing. Allele origin: germline. Affected: yes.
Comment: Not observed at significant frequency in large population cohorts (gnomAD); In silico analysis indicates that this missense variant does not alter protein structure/function; Has not been previously published as pathogenic or benign to our knowledge

NM_001378452.1(ITPR1):c.2892T>G (p.Asn964Lys)

Gene: ITPR1 (inositol 1,4,5-trisphosphate receptor type 1; plus strand). Cytogenetic location: 3p26.1.
Variant type: single nucleotide variant.
Coding change: c.2892T>G on transcript NM_001378452.1 (MANE Select); coding-DNA position 2892, T replaced by G.
Protein change: p.Asn964Lys; replaces asparagine 964 with lysine.
Molecular consequence: missense variant.
Genome position (GRCh38, 1-based): chr3:4,676,726, T>G. VCF-style: chr3-4676726-T-G. GRCh37 (hg19) VCF-style: chr3-4718410-T-G.
Other names: c.2865T>G, p.Asn955Lys (NM_001099952.4); c.2847T>G, p.Asn949Lys (NM_001168272.2); c.2820T>G, p.Asn940Lys (NM_002222.7); short protein forms N940K, N949K, N955K, N964K.
Identifiers: ClinVar variation 3373417 (VCV003373417.1).